The following is an entry in ClinVar:

ClinVar aggregate classification (germline): Uncertain significance (1 of 4 stars; one submission).

Conditions:
SCN2A-related disorder. Also called: SCN2A-related condition; SCN2A-related disorders. Identifiers: MedGen CN382226, MONDO:1060245.

Submission:

PreventionGenetics, part of Exact Sciences
Classification: Uncertain significance for SCN2A-related condition. Last evaluated: 2025-09-11. Review status: criteria provided, single submitter. Criteria: ACMG Guidelines, 2015. Collection method: clinical testing. Allele origin: germline.
Comment: The SCN2A c.5989G>C variant is predicted to result in the amino acid substitution p.Gly1997Arg. To our knowledge, this variant has not been reported in the literature or in a large population database (gnomAD), indicating this variant is rare. At this time, the clinical significance of this variant is uncertain due to the absence of conclusive functional and genetic evidence.

NM_001040142.2(SCN2A):c.5989G>C (p.Gly1997Arg)

Gene: SCN2A (sodium voltage-gated channel alpha subunit 2; plus strand). Cytogenetic location: 2q24.3.
Variant type: single nucleotide variant.
Coding change: c.5989G>C on transcript NM_001040142.2 (MANE Select); coding-DNA position 5989, G replaced by C.
Protein change: p.Gly1997Arg; replaces glycine 1997 with arginine.
Molecular consequence: missense variant.
Genome position (GRCh38, 1-based): chr2:165,389,795, G>C. VCF-style: chr2-165389795-G-C. GRCh37 (hg19) VCF-style: chr2-166246305-G-C.
Other names: c.5989G>C, p.Gly1997Arg (NM_001040143.2, NM_001371246.1, NM_001371247.1 and 1 more transcripts); short protein forms G1997R.
Identifiers: ClinVar variation 4987213 (VCV004987213.1).